The following is an entry in ClinVar:

NM_001130987.2(DYSF):c.5768G>T (p.Cys1923Phe)

Gene: DYSF (dysferlin; plus strand). Cytogenetic location: 2p13.2.
Variant type: single nucleotide variant.
Coding change: c.5768G>T on transcript NM_001130987.2 (MANE Select); coding-DNA position 5768, G replaced by T.
Protein change: p.Cys1923Phe; replaces cysteine 1923 with phenylalanine.
Molecular consequence: missense variant.
Genome position (GRCh38, 1-based): chr2:71,669,730, G>T. VCF-style: chr2-71669730-G-T. GRCh37 (hg19) VCF-style: chr2-71896860-G-T.
Other names: c.5654G>T, p.Cys1885Phe (NM_001130455.2); c.5609G>T, p.Cys1870Phe (NM_001130976.2); c.5672G>T, p.Cys1891Phe (NM_001130977.2); c.5714G>T, p.Cys1905Phe (NM_001130978.2); c.5744G>T, p.Cys1915Phe (NM_001130979.2); c.5702G>T, p.Cys1901Phe (NM_001130980.2); c.5765G>T, p.Cys1922Phe (NM_001130981.2); c.5747G>T, p.Cys1916Phe (NM_001130982.2); and 5 more; short protein forms C1923F, C1884F, C1885F, C1906F, C1870F, C1922F, C1871F, C1891F.
Identifiers: ClinVar variation 289244 (VCV000289244.13), dbSNP rs886044130, ClinGen allele CA10606384.

ClinVar aggregate classification (germline): Uncertain significance. Review status: criteria provided, multiple submitters, no conflicts (2 of 4 stars). 2 submissions from 2 submitters: Uncertain significance (2). Last evaluated 2020-02-29.

Conditions:
Neuromuscular disease caused by qualitative or quantitative defects of dysferlin. Also called: Dysferlinopathy; Qualitative or quantitative defects of dysferlin. Identifiers: Orphanet 207073, MedGen C2931687, MONDO:0016145.

Submissions (2):

Labcorp Genetics (formerly Invitae), Labcorp
Classification: Uncertain significance for Neuromuscular disease caused by qualitative or quantitative defects of dysferlin. Last evaluated: 2020-02-29. Review status: criteria provided, single submitter. Criteria: Invitae Variant Classification Sherloc (09022015). Collection method: clinical testing. Allele origin: germline.
Comment: This sequence change replaces cysteine with phenylalanine at codon 1884 of the DYSF protein (p.Cys1884Phe). The cysteine residue is moderately conserved and there is a large physicochemical difference between cysteine and phenylalanine. This variant is not present in population databases (ExAC no frequency). This variant has been observed in individual(s) with clinical features of limb-girdle muscular dystrophy (Invitae). In at least one individual the data is consistent with the variant being in trans (on the opposite chromosome) from a pathogenic variant. ClinVar contains an entry for this variant (Variation ID: 289244). Algorithms developed to predict the effect of missense changes on protein structure and function are either unavailable or do not agree on the potential impact of this missense change (SIFT: "Tolerated"; PolyPhen-2: "Probably Damaging"; Align-GVGD: "Class C0"). In summary, the available evidence is currently insufficient to determine the role of this variant in disease. Therefore, it has been classified as a Variant of Uncertain Significance.

Eurofins Ntd Llc (ga)
Classification: Uncertain significance. Last evaluated: 2016-07-11. Review status: criteria provided, single submitter. Criteria: EGL Classification Definitions 2015. Collection method: clinical testing. Allele origin: germline. Observed: 1 variant allele, 1 heterozygote.